The following is an entry in ClinVar:

ClinVar aggregate classification (germline): Pathogenic. Review status: reviewed by expert panel (3 of 4 stars). 2 submissions from 2 submitters: Pathogenic (1). 1 of the submissions does not count toward it. Last evaluated 2024-04-26.

Conditions:
Hereditary factor IX deficiency disease (HEMB). Also called: Hemophilia B; F9 DEFICIENCY; FACTOR IX DEFICIENCY; PLASMA THROMBOPLASTIN COMPONENT DEFICIENCY; Christmas Disease. Identifiers: Orphanet 98879, MedGen C0008533, MeSH D002836, MONDO:0010604, OMIM 306900.
Hereditary factor VIII deficiency disease (HEMA). Also called: Hemophilia A, congenital; HEM A; Factor 8 deficiency, congenital; HEMOPHILIA, CLASSIC; Hemophilia A; AUTOSOMAL HEMOPHILIA A. Identifiers: Orphanet 98878, MedGen C0019069, MONDO:0010602, OMIM 306700.

Submissions (2):

ClinGen Coagulation Factor Deficiency Variant Curation Expert Panel, Clingen
Classification: Pathogenic for Hereditary factor IX deficiency disease. Last evaluated: 2024-04-26. Review status: reviewed by expert panel. Criteria: ClinGen CoagFactor ACMG Specifications F9 V1.0.0. Collection method: curation. Allele origin: germline. Inheritance: X-linked inheritance.
Comment: The c.1009G>A (NM_000133.4) variant in F9 is a missense variant predicted to cause substitution of alanine by threonine at amino acid 337 (p.Ala337Thr). This variant is absent from males in population databases (gnomAD v2.1.1/gnomAD v3). This variant has been reported in at least 8 unique probands with mild to severe hemophilia B (PMID: 8091381; PMID: 11013449; PMID: 2726481), meeting phenotypic criteria for F9. The computational predictor REVEL gives a score of 0.783, which is above the threshold of 0.6, evidence that correlates with impact to F9 function (PP3). In summary, this variant meets criteria to be classified as pathogenic. ACMG/AMP criteria applied, as specified by the Coagulation Factor Deficiency Variant Curation Expert Panel for F9: PS4_Very Strong + PM2_Supporting + PP3. (ClinGen Coagulation Factor Deficiency Expert Panel Specifications to the ACMG/AMP Variant Interpretation Guidelines for F9 Version 1.0.0., Released 10/5/2023).

NIHR Bioresource Rare Diseases, University of Cambridge
Classification: Pathogenic for Hereditary factor VIII deficiency disease. Last evaluated: 2019-02-01. Review status: criteria provided, single submitter. Criteria: ACMG Guidelines, 2015. Collection method: research. Allele origin: unknown. Affected: yes. Observed: 1 hemizygote. Study: ThromboGenomics. Not counted in ClinVar's aggregate classification.

Literature cited by the submitters: PubMed 31064749 (cited by NIHR Bioresource Rare Diseases, University of Cambridge).

NM_000133.4(F9):c.1009G>A (p.Ala337Thr)

Gene: F9 (coagulation factor IX; plus strand). Cytogenetic location: Xq27.1.
Variant type: single nucleotide variant.
Coding change: c.1009G>A on transcript NM_000133.4 (MANE Select); coding-DNA position 1009, G replaced by A.
Protein change: p.Ala337Thr; replaces alanine 337 with threonine.
Molecular consequence: missense variant.
Genome position (GRCh38, 1-based): chrX:139,561,694, G>A. VCF-style: chrX-139561694-G-A. GRCh37 (hg19) VCF-style: chrX-138643853-G-A.
Other names: NM_000133.3(F9):c.1009G>A; p.Ala337Thr; c.895G>A, p.Ala299Thr (NM_001313913.2); short protein forms A337T, A299T.
Identifiers: ClinVar variation 626950 (VCV000626950.3), dbSNP rs137852253, ClinGen allele CA414445354.
Genomic context (GRCh38, chrX:139,561,694, plus strand): 5'-GCCCTTCTGGAACTGGACGAACCCTTAGTGCTAAACAGCTACGTTACACCTATTTGCATT[G>A]CTGACAAGGAATACACGAACATCTTCCTCAAATTTGGATCTGGCTATGTAAGTGGCTGGG-3'
Protein context (NP_000124.1, residues 327-347): LNSYVTPICI[Ala337Thr]DKEYTNIFLK